The following is an entry in ClinVar:

ClinVar aggregate classification (germline): Benign. Review status: criteria provided, single submitter (1 of 4 stars). 2 submissions from 2 submitters: Benign (1). 1 of the submissions does not count toward it. Last evaluated 2024-11-27.

Conditions:
REV3L-related disorder. Also called: REV3L-related condition.

Allele frequency attached by ClinVar (database versions not stated): 1000 Genomes Project 30x 0.34728; 1000 Genomes Project 0.35403; TOPMed 0.38022; ESP Exome Variant Server 0.39457; gnomAD 0.39806; gnomAD exomes 0.52227.
gnomAD v4.1: 822,095 of 1,613,808 alleles (51%); highest among the groups gnomAD compares: Non-Finnish European, 55%; 218,176 homozygotes.

Submissions (2):

Blueprint Genetics
Classification: Benign. Last evaluated: 2024-11-27. Review status: criteria provided, single submitter. Criteria: ACMG Guidelines, 2015. Collection method: clinical testing. Allele origin: germline.

PreventionGenetics, part of Exact Sciences
Classification: Benign for REV3L-related condition. Last evaluated: 2019-06-07. Review status: no assertion criteria provided. Collection method: clinical testing. Allele origin: germline. Not counted in ClinVar's aggregate classification.
Comment: This variant is classified as benign based on ACMG/AMP sequence variant interpretation guidelines (Richards et al. 2015 PMID: 25741868, with internal and published modifications).

NM_001372078.1(REV3L):c.4290G>A (p.Val1430=)

Gene: REV3L (REV3 like, DNA directed polymerase zeta catalytic subunit; minus strand). Cytogenetic location: 6q21.
Variant type: single nucleotide variant.
Coding change: c.4290G>A on transcript NM_001372078.1 (MANE Select); coding-DNA position 4290, G replaced by A.
Protein change: p.Val1430=; no amino-acid change (valine 1430 retained).
Molecular consequence: synonymous variant.
Genome position (GRCh38, 1-based): chr6:111,374,065, C>T on the plus strand (G>A on the coding strand, the complement: REV3L is on the minus strand). VCF-style: chr6-111374065-C-T. GRCh37 (hg19) VCF-style: chr6-111695268-C-T.
Other names: c.4056G>A, p.Val1352= (NM_001286431.2, NM_001286432.2); c.4290G>A, p.Val1430= (NM_002912.5).
Identifiers: ClinVar variation 3060670 (VCV003060670.3), dbSNP rs455732, ClinGen allele CA3962037.